The following is an entry in ClinVar:

NM_005585.5(SMAD6):c.788C>T (p.Pro263Leu)

Gene: SMAD6 (SMAD family member 6; plus strand). Cytogenetic location: 15q22.31.
Variant type: single nucleotide variant.
Coding change: c.788C>T on transcript NM_005585.5 (MANE Select); coding-DNA position 788, C replaced by T.
Protein change: p.Pro263Leu; replaces proline 263 with leucine.
Molecular consequence: missense variant. On other transcripts: non-coding transcript variant (1).
Genome position (GRCh38, 1-based): chr15:66,704,046, C>T. VCF-style: chr15-66704046-C-T. GRCh37 (hg19) VCF-style: chr15-66996384-C-T.
Other names: short protein forms P263L.
Identifiers: ClinVar variation 858080 (VCV000858080.9), dbSNP rs765573567, ClinGen allele CA7626532.

ClinVar aggregate classification (germline): Uncertain significance (1 of 4 stars; one submission).

Conditions:
Aortic valve disease 2 (AOVD2). Identifiers: MedGen C3542024, MONDO:0013902, OMIM 614823.

Allele frequency attached by ClinVar (database versions not stated): ExAC 0.00005; gnomAD 0.00001 and below 0.00001; gnomAD exomes 0.00001.
gnomAD v4.1: 7 of 1,510,362 alleles (0.00046%); highest among the groups gnomAD compares: South Asian, 0.0012%; no homozygotes.

Submission:

Labcorp Genetics (formerly Invitae), Labcorp
Classification: Uncertain significance for Aortic valve disease 2. Last evaluated: 2019-12-05. Review status: criteria provided, single submitter. Criteria: Invitae Variant Classification Sherloc (09022015). Collection method: clinical testing. Allele origin: germline.
Comment: In summary, the available evidence is currently insufficient to determine the role of this variant in disease. Therefore, it has been classified as a Variant of Uncertain Significance. Algorithms developed to predict the effect of missense changes on protein structure and function are either unavailable or do not agree on the potential impact of this missense change (SIFT: "Deleterious"; PolyPhen-2: "Probably Damaging"; Align-GVGD: "Class C0"). This variant has not been reported in the literature in individuals with SMAD6-related conditions. The frequency data for this variant in the population databases is considered unreliable, as metrics indicate poor data quality at this position in the ExAC database. This sequence change replaces proline with leucine at codon 263 of the SMAD6 protein (p.Pro263Leu). The proline residue is highly conserved and there is a moderate physicochemical difference between proline and leucine.